The following is an entry in ClinVar:

NM_001276309.3(NOL3):c.408C>G (p.Ala136=)

Gene: NOL3 (nucleolar protein 3; plus strand). Cytogenetic location: 16q22.1.
Variant type: single nucleotide variant.
Coding change: c.408C>G on transcript NM_001276309.3 (MANE Select); coding-DNA position 408, C replaced by G.
Protein change: p.Ala136=; no amino-acid change (alanine 136 retained).
Molecular consequence: synonymous variant. On other transcripts: missense variant (7).
Genome position (GRCh38, 1-based): chr16:67,174,733, C>G. VCF-style: chr16-67174733-C-G. GRCh37 (hg19) VCF-style: chr16-67208636-C-G.
Other names: c.398C>G, p.Pro133Arg (NM_001185057.3, NM_001394977.1, NM_001394978.1); c.408C>G, p.Ala136= (NM_001276307.3, NM_001276312.3, NM_001394973.1 and 2 more transcripts); c.284C>G, p.Pro95Arg (NM_001276311.2, NM_001394974.1, NM_001394975.1 and 1 more transcripts); short protein forms P133R, P95R.
Identifiers: ClinVar variation 3040437 (VCV003040437.3), dbSNP rs2233459, ClinGen allele CA8102358.
Genomic context (GRCh38, chr16:67,174,733, plus strand): 5'-GGCACCCGGCTCGGGGACCACATGCCCCGGGTTGCCCAGAGCTTCAGACCCTGACGAGGC[C>G]GGGGGCCCTGAGGGCTCCGAGGCGGTGCAATCCGGGACCCCGGAGGAGCCAGAGCCAGAG-3'
Protein context (NP_001263238.1, residues 126-146): GLPRASDPDE[Ala136=]GGPEGSEAVQ

ClinVar aggregate classification (germline): Likely benign. Review status: criteria provided, single submitter (1 of 4 stars). 2 submissions from 2 submitters: Likely benign (1). 1 of the submissions does not count toward it. Last evaluated 2023-08-10.

Conditions:
NOL3-related disorder. Also called: NOL3-related condition.

Allele frequency attached by ClinVar (database versions not stated): gnomAD exomes 0.00011; gnomAD 0.00028; ExAC 0.00044; 1000 Genomes Project 30x 0.00109; 1000 Genomes Project 0.00140.
gnomAD v4.1: 195 of 1,610,578 alleles (0.012%); highest among the groups gnomAD compares: East Asian, 0.42%; 2 homozygotes.

Submissions (2):

Blueprint Genetics
Classification: Likely benign. Last evaluated: 2023-08-10. Review status: criteria provided, single submitter. Criteria: ACMG Guidelines, 2015. Collection method: clinical testing. Allele origin: germline.

PreventionGenetics, part of Exact Sciences
Classification: Likely benign for NOL3-related condition. Last evaluated: 2019-09-11. Review status: no assertion criteria provided. Collection method: clinical testing. Allele origin: germline. Not counted in ClinVar's aggregate classification.
Comment: This variant is classified as likely benign based on ACMG/AMP sequence variant interpretation guidelines (Richards et al. 2015 PMID: 25741868, with internal and published modifications).